The following is an entry in ClinVar:

NM_006231.4(POLE):c.3678del (p.Val1227fs)

Gene: POLE (DNA polymerase epsilon, catalytic subunit; minus strand). Cytogenetic location: 12q24.33.
Variant type: Deletion.
Coding change: c.3678del on transcript NM_006231.4 (MANE Select); coding-DNA position 3678, one base deleted (T; older notation c.3678delT).
Protein change: p.Val1227fs; shifts the reading frame from valine 1227.
Molecular consequence: frameshift variant.
Genome position (GRCh38, 1-based): chr12:132,649,794, A deleted on the plus strand (T on the coding strand, the reverse complement: POLE is on the minus strand). VCF-style (leftmost placement, unchanged base first): chr12-132649793-CA-C. GRCh37 (hg19) VCF-style: chr12-133226379-CA-C.
Other names: short protein forms V1227fs.
Identifiers: ClinVar variation 1408474 (VCV001408474.6), dbSNP rs2138614148, ClinGen allele CA2573148169.

ClinVar aggregate classification (germline): Pathogenic (1 of 4 stars; one submission).

Submission:

Labcorp Genetics (formerly Invitae), Labcorp
Classification: Pathogenic. Last evaluated: 2024-04-06. Review status: criteria provided, single submitter. Criteria: Invitae Variant Classification Sherloc (09022015). Collection method: clinical testing. Allele origin: germline.
Comment: This sequence change creates a premature translational stop signal (p.Val1227Serfs*3) in the POLE gene. It is expected to result in an absent or disrupted protein product. Loss-of-function variants in POLE are known to be pathogenic (PMID: 23230001, 25948378, 30503519). This variant is not present in population databases (gnomAD no frequency). This variant has not been reported in the literature in individuals affected with POLE-related conditions. ClinVar contains an entry for this variant (Variation ID: 1408474). For these reasons, this variant has been classified as Pathogenic.

Literature cited by the submitters: PubMed 23230001; PubMed 25948378; PubMed 30503519.